The following is an entry in ClinVar:

NC_000019.10:g.10316016A>G

Gene: FDX2 (ferredoxin 2; minus strand). Cytogenetic location: 19p13.2.
Variant type: single nucleotide variant.
Genome position: GRCh38 VCF-style: chr19-10316016-A-G. GRCh37 (hg19) VCF-style: chr19-10426692-A-G.
Identifiers: ClinVar variation 507533 (VCV000507533.1), dbSNP rs1555711043, ClinGen allele CA9191397.

ClinVar aggregate classification (germline): Likely benign (1 of 4 stars; one submission).

Allele frequency attached by ClinVar (database versions not stated): TOPMed 0.00001; gnomAD exomes 0.00002 and 0.00003; gnomAD 0.00003; ExAC 0.00004.

Submission:

GeneDx
Classification: Likely benign. Last evaluated: 2017-03-03. Review status: criteria provided, single submitter. Criteria: GeneDx Variant Classification (06012015). Collection method: clinical testing. Allele origin: germline. Affected: yes.
Comment: This variant is considered likely benign or benign based on one or more of the following criteria: it is a conservative change, it occurs at a poorly conserved position in the protein, it is predicted to be benign by multiple in silico algorithms, and/or has population frequency not consistent with disease.